The following is an entry in ClinVar:

ClinVar aggregate classification (germline): Pathogenic. Review status: reviewed by expert panel (3 of 4 stars). 9 submissions from 9 submitters: Pathogenic (1). 8 of the submissions do not count toward it. Last evaluated 2026-01-04.

Conditions:
BRCA2-related cancer predisposition. Identifiers: MedGen CN377758, MONDO:0700269.
Hereditary cancer-predisposing syndrome. Also called: Tumor predisposition; Neoplastic Syndromes, Hereditary; Hereditary neoplastic syndrome; Hereditary Cancer Syndrome. Identifiers: Orphanet 140162, MedGen C0027672, MeSH D009386, MONDO:0015356.
Hereditary breast ovarian cancer syndrome. Also called: Hereditary breast and ovarian cancer; Hereditary breast and ovarian cancer syndrome (HBOC); Hereditary breast and/or ovarian cancer syndrome; Breast and ovarian cancer; Hereditary breast and ovarian cancer syndrome; BRCA1- and BRCA2-Associated Hereditary Breast and Ovarian Cancer. Identifiers: Orphanet 145, MedGen C0677776, MeSH D061325, MONDO:0003582. Disease mechanism: loss of function.
Breast-ovarian cancer, familial, susceptibility to, 2 (BROVCA2). Also called: BRCA2 Hereditary Breast and Ovarian Cancer. Identifiers: Orphanet 145, MedGen C2675520, MONDO:0012933, OMIM 612555. Disease mechanism: loss of function.
Familial cancer of breast. Also called: Hereditary breast cancer; BREAST CANCER, FAMILIAL; hereditary breast carcinoma. Identifiers: Orphanet 227535, MedGen C0346153, MONDO:0016419, OMIM 114480. Disease mechanism: loss of function.

Allele frequency attached by ClinVar (database versions not stated): gnomAD exomes below 0.00001.
gnomAD v4.1: 1 of 1,612,392 alleles (0.000062%); highest among the groups gnomAD compares: African/African-American, 0.0013%; no homozygotes.

Submissions (9):

ClinGen ENIGMA BRCA1 and BRCA2 Variant Curation Expert Panel, ClinGen
Classification: Pathogenic for BRCA2-related cancer predisposition. Last evaluated: 2026-01-04. Review status: reviewed by expert panel. Criteria: CSpec BRCA12ACMG Rules Specifications V1.1. Collection method: curation. Allele origin: germline. Inheritance: Autosomal dominant inheritance.
Comment: The c.9016T>G variant in BRCA2 is a missense variant predicted to cause substitution of Tyrosine by Aspartic Acid at amino acid 3006 (p.(Tyr3006Asp)). This variant is absent from gnomAD v2.1 (exomes only, non-cancer subset, read depth ≥25) and gnomAD v3.1 (non-cancer subset, read depth ≥25) (PM2_Supporting met). Reported by four calibrated studies to exhibit protein function similar to pathogenic control variants (PMIDs:38417439, 32444794, 39779857, 39779848) (PS3 met). This BRCA2 missense variant is within a key functional domain and the computational predictor BayesDel (noAF) gives a score of 0.33, above the recommended threshold of 0.30 for prediction of impact on BRCA2 function via protein change. A SpliceAI score of 0.01 predicts no impact on splicing (score threshold <0.10) (PP3 met). Multifactorial likelihood ratio analysis using clinically calibrated data produced a combined LR for this variant of 26.5 (based on Family History LR=26.5), within the thresholds for strong evidence towards pathogenicity (LR >18.7 & ≤350) (PP4_Strong met; PMID: 31853058). In summary, this variant meets the criteria to be classified as a Pathogenic variant for BRCA2-related cancer predisposition based on the ACMG/AMP criteria applied as specified by the ENIGMA BRCA1/2 VCEP (PM2_Supporting, PS3, PP3, PP4_Strong).

Ambry Genetics
Classification: Likely pathogenic for Hereditary cancer-predisposing syndrome. Last evaluated: 2025-08-04. Review status: criteria provided, single submitter. Criteria: Ambry Variant Classification Scheme 2023. Collection method: clinical testing. Allele origin: germline. Not counted in ClinVar's aggregate classification.
Comment: The p.Y3006D variant (also known as c.9016T>G), located in coding exon 22 of the BRCA2 gene, results from a T to G substitution at nucleotide position 9016. The tyrosine at codon 3006 is replaced by aspartic acid, an amino acid with highly dissimilar properties. This alteration is non functional in multiple assays including a homology-directed, DNA repair assay and multiple drug sensitivity assays (Richardson ME et al. Am J Hum Genet, 2021 03;108:458-468; Ikegami M et al. Nat Commun, 2020 05;11:2573). Two saturation genome editing-based studies, including a haploid cell-survival assay and a humanized mouse embryonic stem cell line assay of drug response and survival, demonstrate that this nucleotide substitution may be non-functional; however, additional evidence is needed to confirm these findings (Huang H et al. Nature. 2025 Feb;638(8050):528-537; Sahu S et al. Nature. 2025 Feb;638(8050):538-545). Based on internal structural analysis, this variant is anticipated to result in a significant decrease in structural stability (Ambry internal data; Yang H et al. Science, 2002 Sep;297:1837-48). This amino acid position is well conserved in available vertebrate species. In addition, this alteration is predicted to be deleterious by in silico analysis. Based on the majority of available evidence to date, this variant is likely to be pathogenic.

Labcorp Genetics (formerly Invitae), Labcorp
Classification: Likely pathogenic for Hereditary breast ovarian cancer syndrome. Last evaluated: 2025-07-22. Review status: criteria provided, single submitter. Criteria: Invitae Variant Classification Sherloc (09022015). Collection method: clinical testing. Allele origin: germline. Not counted in ClinVar's aggregate classification.
Comment: This sequence change replaces tyrosine, which is neutral and polar, with aspartic acid, which is acidic and polar, at codon 3006 of the BRCA2 protein (p.Tyr3006Asp). This variant is not present in population databases (gnomAD no frequency). This missense change has been observed in individual(s) with prostate cancer and breast cancer (internal data). It has also been observed to segregate with disease in related individuals. ClinVar contains an entry for this variant (Variation ID: 38202). Invitae Evidence Modeling incorporating data from in vitro experimental studies (PMID: 33609447) indicates that this missense variant is expected to disrupt BRCA2 function with a positive predictive value of 95%. Experimental studies have shown that this missense change affects BRCA2 function (PMID: 32444794, 33609447, 37067535). In summary, the currently available evidence indicates that the variant is pathogenic, but additional data are needed to prove that conclusively. Therefore, this variant has been classified as Likely Pathogenic.

GeneDx
Classification: Likely pathogenic. Last evaluated: 2025-03-18. Review status: criteria provided, single submitter. Criteria: GeneDx Variant Classification Process June 2021. Collection method: clinical testing. Allele origin: germline. Affected: yes. Not counted in ClinVar's aggregate classification.
Comment: Published functional studies demonstrate a damaging effect: defective homology-directed repair activity and sensitivity to PARP inhibitors (PMID: 32377563, 32444794, 33609447, 35665744, 35736817); Not observed at significant frequency in large population cohorts (gnomAD); In silico analysis supports that this missense variant has a deleterious effect on protein structure/function; Also known as 9244T>G; This variant is associated with the following publications: (PMID: 25722345, 32377563, 35736817, 33609447, 32444794, 29884841, 35665744, 28569743, 31911673, 31853058, 12228710)

Women's Health and Genetics/Laboratory Corporation of America, LabCorp
Classification: Likely pathogenic for Hereditary breast ovarian cancer syndrome. Last evaluated: 2024-06-27. Review status: criteria provided, single submitter. Criteria: LabCorp Variant Classification Summary - May 2015. Collection method: clinical testing. Allele origin: germline. Not counted in ClinVar's aggregate classification.
Comment: Variant summary: BRCA2 c.9016T>G (p.Tyr3006Asp) results in a non-conservative amino acid change located in the BRCA2, OB2 domain (IPR048262) of the encoded protein sequence. Five of five in-silico tools predict a damaging effect of the variant on protein function. The variant was absent in 250700 control chromosomes. c.9016T>G has been reported in the literature in a setting of multi-gene panel testing in at least one individual with personal or family history of cancer (e.g. Li_2020). This report does not provide unequivocal conclusions about association of the variant with Hereditary Breast And Ovarian Cancer Syndrome. At least two publications report experimental evidence evaluating an impact on protein function showing moderate disruption of BRCA2 function in HDR assay (e.g. Richardson_2021) and sensitivity to PARP inhibitors in vitro (e.g. Yamazawa_2023). ClinVar contains an entry for this variant (Variation ID: 38202). Based on the evidence outlined above, the variant was classified as likely pathogenic.

Baylor Genetics
Classification: Uncertain significance for Familial cancer of breast. Last evaluated: 2024-03-21. Review status: criteria provided, single submitter. Criteria: ACMG Guidelines, 2015. Collection method: clinical testing. Allele origin: unknown. Not counted in ClinVar's aggregate classification.

Quest Diagnostics Nichols Institute San Juan Capistrano
Classification: Likely pathogenic. Last evaluated: 2024-01-24. Review status: criteria provided, single submitter. Criteria: Quest Diagnostics criteria. Collection method: clinical testing. Allele origin: unknown. Not counted in ClinVar's aggregate classification.
Comment: The BRCA2 c.9016T>G (p.Tyr3006Asp) variant has been reported in the published literature in an individual who underwent multigene panel testing (PMID: 31853058 (2020)), and has been reported in an individual with breast cancer (GeneDx, personal communications). Experimental studies have demonstrated this variant is damaging to BRCA2 protein function (PMID: 32444794 (2020), 33609447 (2021), 35736817 (2022)). This variant has not been reported in large, multi-ethnic general populations (Genome Aggregation Database). Analysis of this variant using bioinformatics tools for the prediction of the effect of amino acid changes on protein structure and function yielded predictions that this variant is damaging. Based on the available information, this variant is classified as likely pathogenic.

Color Diagnostics, LLC DBA Color Health
Classification: Uncertain significance for Hereditary cancer-predisposing syndrome. Last evaluated: 2019-01-24. Review status: flagged submission. Criteria: ACMG Guidelines, 2015. Collection method: clinical testing. Allele origin: germline. Not counted in ClinVar's aggregate classification.
ClinVar note: Reason: Older claim that does not account for recent evidence

Sharing Clinical Reports Project (SCRP)
Classification: Uncertain significance for Breast-ovarian cancer, familial 2. Last evaluated: 2006-10-16. Review status: flagged submission. Collection method: clinical testing. Allele origin: germline. Not counted in ClinVar's aggregate classification.
ClinVar note: Reason: Older claim that does not account for recent evidence

Literature cited by the submitters: PubMed 12228710 (cited by Ambry Genetics); PubMed 32444794 (cited by 3 submitters); PubMed 33609447 (cited by 4 submitters); PubMed 39779848 (cited by Ambry Genetics); PubMed 39779857 (cited by Ambry Genetics); PubMed 37067535 (cited by Labcorp Genetics (formerly Invitae), Labcorp and Women's Health and Genetics/Laboratory Corporation of America, LabCorp); PubMed 31853058 (cited by Women's Health and Genetics/Laboratory Corporation of America, LabCorp and Quest Diagnostics Nichols Institute San Juan Capistrano); PubMed 35736817 (cited by Quest Diagnostics Nichols Institute San Juan Capistrano); PubMed 31911673 (cited by Quest Diagnostics Nichols Institute San Juan Capistrano).

NM_000059.4(BRCA2):c.9016T>G (p.Tyr3006Asp)

Gene: BRCA2 (BRCA2 DNA repair associated; plus strand). Cytogenetic location: 13q13.1.
Variant type: single nucleotide variant.
Coding change: c.9016T>G on transcript NM_000059.4 (MANE Select); coding-DNA position 9016, T replaced by G.
Protein change: p.Tyr3006Asp; replaces tyrosine 3006 with aspartic acid.
Molecular consequence: missense variant.
Genome position (GRCh38, 1-based): chr13:32,379,812, T>G. VCF-style: chr13-32379812-T-G. GRCh37 (hg19) VCF-style: chr13-32953949-T-G.
Other names: NM_000059.4(BRCA2):c.9016T>G; short protein forms Y3006D.
Identifiers: ClinVar variation 38202 (VCV000038202.33), dbSNP rs397507416, ClinGen allele CA025928.